The following is an entry in ClinVar:

ClinVar aggregate classification (germline): Conflicting classifications of pathogenicity. Review status: criteria provided, conflicting classifications (1 of 4 stars). 2 submissions from 2 submitters: Uncertain significance (1); Likely benign (1). Last evaluated 2025-05-05.

Allele frequency attached by ClinVar (database versions not stated): gnomAD 0.00001; TOPMed 0.00001.
gnomAD v4.1: 8 of 1,614,040 alleles (0.0005%); highest among the groups gnomAD compares: African/African-American, 0.0013%; no homozygotes.

Submissions (2):

Labcorp Genetics (formerly Invitae), Labcorp
Classification: Likely benign. Last evaluated: 2025-05-05. Review status: criteria provided, single submitter. Criteria: Invitae Variant Classification Sherloc (09022015). Collection method: clinical testing. Allele origin: germline.

GeneDx
Classification: Uncertain significance. Last evaluated: 2017-03-08. Review status: criteria provided, single submitter. Criteria: GeneDx Variant Classification (06012015). Collection method: clinical testing. Allele origin: germline. Affected: yes.
Comment: The R153H variant in the KAT6A gene has not been reported previously as a pathogenic variant, nor as a benign variant, to our knowledge. The R153H variant is not observed in large population cohorts (Lek et al., 2016; 1000 Genomes Consortium et al., 2015; Exome Variant Server). The R153H variant is a conservative amino acid substitution, which is not likely to impact secondary protein structure as these residues share similar properties. However, this substitution occurs at a position that is conserved across species, and in silico analysis predicts this variant is probably damaging to the protein structure/function. We interpret R153H as a variant of uncertain significance.

NM_006766.5(KAT6A):c.458G>A (p.Arg153His)

Gene: KAT6A (lysine acetyltransferase 6A; minus strand). Cytogenetic location: 8p11.21.
Variant type: single nucleotide variant.
Coding change: c.458G>A on transcript NM_006766.5 (MANE Select); coding-DNA position 458, G replaced by A.
Protein change: p.Arg153His; replaces arginine 153 with histidine.
Molecular consequence: missense variant.
Genome position (GRCh38, 1-based): chr8:42,048,520, C>T on the plus strand (G>A on the coding strand, the complement: KAT6A is on the minus strand). VCF-style: chr8-42048520-C-T. GRCh37 (hg19) VCF-style: chr8-41906038-C-T.
Other names: c.458G>A, p.Arg153His (NM_001305878.2); short protein forms R153H.
Identifiers: ClinVar variation 424162 (VCV000424162.5), dbSNP rs770241643, ClinGen allele CA16618641.